The following is an entry in ClinVar:

NM_002421.4(MMP1):c.900-13T>A

Gene: MMP1 (matrix metallopeptidase 1; minus strand). Cytogenetic location: 11q22.2.
Variant type: single nucleotide variant.
Coding change: c.900-13T>A on transcript NM_002421.4 (MANE Select); 13 bases into the intron before coding-DNA position 900, T replaced by A.
Molecular consequence: intron variant.
Genome position (GRCh38, 1-based): chr11:102,792,751, A>T on the plus strand (T>A on the coding strand, the complement: MMP1 is on the minus strand). VCF-style: chr11-102792751-A-T. GRCh37 (hg19) VCF-style: chr11-102663482-A-T.
Other names: c.702-13T>A (NM_001145938.2).
Identifiers: ClinVar variation 403090 (VCV000403090.5), dbSNP rs1144391, ClinGen allele CA6250471.

ClinVar aggregate classification (germline): Benign. Review status: criteria provided, multiple submitters, no conflicts (2 of 4 stars). 2 submissions from 2 submitters: Benign (2). Last evaluated 2016-03-28.

Allele frequency attached by ClinVar (database versions not stated): ESP Exome Variant Server 0.19532; 1000 Genomes Project 0.25160; 1000 Genomes Project 30x 0.25234; TOPMed 0.29117; gnomAD 0.29990 and 0.30068; gnomAD exomes 0.30113 and 0.34268; ExAC 0.30443.
gnomAD v4.1: 541,607 of 1,602,238 alleles (34%); highest among the groups gnomAD compares: Non-Finnish European, 36%; 94,512 homozygotes.

Submissions (2):

Laboratory for Molecular Medicine, Mass General Brigham Personalized Medicine
Classification: Benign. Last evaluated: 2016-03-28. Review status: criteria provided, single submitter. Criteria: LMM Criteria. Collection method: clinical testing. Allele origin: germline.
Comment: Variant identified in a genome or exome case(s) and assessed due to predicted null impact of the variant or pathogenic assertions in the literature or databases. Disclaimer: This variant has not undergone full assessment. The following are preliminary notes: Frequency

Breakthrough Genomics
Classification: Benign. Review status: criteria provided, single submitter. Criteria: ACMG Guidelines, 2015. Collection method: not provided. Allele origin: germline. Inheritance: Autosomal recessive inheritance. Affected: yes.